The following is an entry in ClinVar:

ClinVar aggregate classification (germline): Uncertain significance (1 of 4 stars; one submission).

Conditions:
Mitochondrial DNA depletion syndrome 13. Also called: FBXL4-Related Encephalomyopathic Mitochondrial DNA Depletion Syndrome; Mitochondrial DNA depletion syndrome 13 (encephalomyopathic type). Identifiers: Orphanet 369897, MedGen C3809592, MONDO:0014198, OMIM 615471.

Allele frequency attached by ClinVar (database versions not stated): gnomAD exomes 0.00001; ExAC 0.00002.
gnomAD v4.1: 5 of 1,614,020 alleles (0.00031%); highest among the groups gnomAD compares: Non-Finnish European, 0.00042%; no homozygotes.

Submission:

Wong Mito Lab, Molecular and Human Genetics, Baylor College of Medicine
Classification: Uncertain significance for Mitochondrial DNA depletion syndrome 13. Last evaluated: 2017-08-10. Review status: criteria provided, single submitter. Criteria: ACMG Guidelines, 2015. Collection method: reference population. Allele origin: germline.
Comment: The NM_012160.4:c.755C>T (NP_036292.2:p.Ala252Val) [GRCH38: NC_000006.12:g.98917477G>A] variant in FBXL4 gene is interpretated to be a Uncertain Significance - Conflicting Evidence based on ACMG guidelines (PMID: 25741868). This variant meets one or more of the following evidence codes reported in the ACMG-guideline. PM2:This variant is absent in key population databases. BP4:Computational evidence/predictors indicate no impact on the FBXL4 structure, function, or protein-protein interaction. Based on this evidence code ClinGen Pathogenicity Calculator (PMID:28081714) suggested that the variant is Uncertain Significance - Conflicting Evidence.

NM_001278716.2(FBXL4):c.755C>T (p.Ala252Val)

Gene: FBXL4 (F-box and leucine rich repeat protein 4; minus strand). Cytogenetic location: 6q16.2.
Variant type: single nucleotide variant.
Coding change: c.755C>T on transcript NM_001278716.2 (MANE Select); coding-DNA position 755, C replaced by T.
Protein change: p.Ala252Val; replaces alanine 252 with valine.
Molecular consequence: missense variant.
Genome position (GRCh38, 1-based): chr6:98,917,477, G>A on the plus strand (C>T on the coding strand, the complement: FBXL4 is on the minus strand). VCF-style: chr6-98917477-G-A. GRCh37 (hg19) VCF-style: chr6-99365353-G-A.
Other names: c.755C>T, p.Ala252Val (NM_012160.5); short protein forms A252V.
Identifiers: ClinVar variation 437632 (VCV000437632.1), dbSNP rs750971078, ClinGen allele CA3933620.